The following is an entry in ClinVar:

NM_177550.5(SLC13A5):c.930del (p.Leu312fs)

Gene: SLC13A5 (solute carrier family 13 member 5; minus strand). Cytogenetic location: 17p13.1.
Variant type: Deletion.
Coding change: c.930del on transcript NM_177550.5 (MANE Select); coding-DNA position 930, one base deleted (G; older notation c.930delG).
Protein change: p.Leu312fs; shifts the reading frame from leucine 312.
Molecular consequence: frameshift variant.
Genome position (GRCh38, 1-based): chr17:6,695,851, C deleted on the plus strand (G on the coding strand, the reverse complement: SLC13A5 is on the minus strand); the first of 4 consecutive C bases (chr17:6,695,851-6,695,854); deleting any one gives the same sequence. VCF-style (leftmost placement, unchanged base first): chr17-6695850-GC-G. GRCh37 (hg19) VCF-style: chr17-6599169-GC-G.
Other names: c.930del, p.Leu312fs (NM_001143838.3); c.879del, p.Leu295fs (NM_001284509.2); c.801del, p.Leu269fs (NM_001284510.2); short protein forms L269fs, L295fs, L312fs.
Identifiers: ClinVar variation 934267 (VCV000934267.8), dbSNP rs1973546077, ClinGen allele CA1139665098.

ClinVar aggregate classification (germline): Pathogenic (1 of 4 stars; one submission).

Conditions:
Developmental and epileptic encephalopathy, 25 (DEE25). Also called: Developmental and epileptic encephalopathy 25, with amelogenesis imperfecta; Epileptic encephalopathy, early infantile, 25, with amelogenesis imperfecta; Epileptic encephalopathy, early infantile, 25. Identifiers: Orphanet 442835, MedGen C4014621, MONDO:0014392, OMIM 615905.

Submission:

Labcorp Genetics (formerly Invitae), Labcorp
Classification: Pathogenic for Developmental and epileptic encephalopathy, 25. Last evaluated: 2019-10-09. Review status: criteria provided, single submitter. Criteria: Invitae Variant Classification Sherloc (09022015). Collection method: clinical testing. Allele origin: germline.
Comment: This sequence change creates a premature translational stop signal (p.Leu312Cysfs*9) in the SLC13A5 gene. It is expected to result in an absent or disrupted protein product. This variant is not present in population databases (ExAC no frequency). This variant has not been reported in the literature in individuals with SLC13A5-related conditions. Loss-of-function variants in SLC13A5 are known to be pathogenic (PMID: 24995870, 26384929). For these reasons, this variant has been classified as Pathogenic.

Literature cited by the submitters: PubMed 24995870; PubMed 26384929.